The following is an entry in ClinVar:

NC_000005.10:g.112851093C>T

Variant type: single nucleotide variant.
Genome position: GRCh38 VCF-style: chr5-112851093-C-T. GRCh37 (hg19) VCF-style: chr5-112186790-C-T.
Identifiers: ClinVar variation 82686 (VCV000082686.3), dbSNP rs76660336, ClinGen allele CA250826.

ClinVar aggregate classification (germline): other (0 of 4 stars; one submission).

Conditions:
Familial colorectal cancer. Identifiers: MedGen CN280943, MONDO:0023113. Disease mechanism: loss of function.

Submission:

Systems Biology Platform Zhejiang California International NanoSystems Institute
Classification: other for Familial colorectal cancer. Review status: no assertion criteria provided. Collection method: not provided. Allele origin: unknown.
ClinVar note: Converted during submission from cancer to other.